The following is an entry in ClinVar:

NM_001134407.3(GRIN2A):c.1244dup (p.Phe416fs)

Gene: GRIN2A (glutamate ionotropic receptor NMDA type subunit 2A; minus strand). Cytogenetic location: 16p13.2.
Variant type: Duplication.
Coding change: c.1244dup on transcript NM_001134407.3 (MANE Select); coding-DNA position 1244, one base duplicated (C; older notation c.1244dupC).
Protein change: p.Phe416fs; shifts the reading frame from phenylalanine 416.
Molecular consequence: frameshift variant.
Genome position (GRCh38, 1-based): chr16:9,849,840, G duplicated on the plus strand (C on the coding strand, the reverse complement: GRIN2A is on the minus strand); the first of 4 consecutive G bases (chr16:9,849,840-9,849,843); duplicating any one gives the same sequence. VCF-style (leftmost placement, unchanged base first): chr16-9849839-T-TG. GRCh37 (hg19) VCF-style: chr16-9943696-T-TG.
Other names: c.1244dup, p.Phe416fs (NM_000833.5, NM_001134408.2); short protein forms F416fs.
Identifiers: ClinVar variation 955660 (VCV000955660.7), dbSNP rs2042850660, ClinGen allele CA1139664506.
Genomic context (GRCh38, chr16:9,849,839, plus strand): 5'-TGGCACGGTGTTCCTCACACACGTCTCGGTCAGGGGGTCTATGTCTTCCACGATGACGAA[T>TG]GGGGCCTCCTCCAGGGTGACGATGCTGAGATGGTTGTCATCCGGCTCACAGTCGGAGAAG-3'

ClinVar aggregate classification (germline): Pathogenic (1 of 4 stars; one submission).

Conditions:
Landau-Kleffner syndrome (FESD). Also called: EPILEPSY, FOCAL, WITH SPEECH DISORDER AND WITH OR WITHOUT MENTAL RETARDATION; APHASIA, ACQUIRED, WITH EPILEPSY. Identifiers: Orphanet 1945, Orphanet 725, Orphanet 98818, MedGen C0282512, MONDO:0009509, OMIM 245570.

Submission:

Labcorp Genetics (formerly Invitae), Labcorp
Classification: Pathogenic for Landau-Kleffner syndrome. Last evaluated: 2020-06-13. Review status: criteria provided, single submitter. Criteria: Invitae Variant Classification Sherloc (09022015). Collection method: clinical testing. Allele origin: germline.
Comment: For these reasons, this variant has been classified as Pathogenic. Loss-of-function variants in GRIN2A are known to be pathogenic (PMID: 23933819, 23933820). This variant has not been reported in the literature in individuals with GRIN2A-related conditions. This variant is not present in population databases (ExAC no frequency). This sequence change creates a premature translational stop signal (p.Phe416Ilefs*33) in the GRIN2A gene. It is expected to result in an absent or disrupted protein product.

Literature cited by the submitters: PubMed 23933819; PubMed 23933820.